The following is an entry in ClinVar:

ClinVar aggregate classification (germline): Uncertain significance (1 of 4 stars; one submission).

Conditions:
Developmental and epileptic encephalopathy, 30 (DEE30). Also called: Epileptic encephalopathy, early infantile, 30. Identifiers: MedGen C4225360, MONDO:0014595, OMIM 616341.

Submission:

Labcorp Genetics (formerly Invitae), Labcorp
Classification: Uncertain significance for Developmental and epileptic encephalopathy, 30. Last evaluated: 2024-06-12. Review status: criteria provided, single submitter. Criteria: Invitae Variant Classification Sherloc (09022015). Collection method: clinical testing. Allele origin: germline.
Comment: This sequence change replaces methionine, which is neutral and non-polar, with leucine, which is neutral and non-polar, at codon 4 of the SIK1 protein (p.Met4Leu). This variant is not present in population databases (gnomAD no frequency). This variant has not been reported in the literature in individuals affected with SIK1-related conditions. Advanced modeling of protein sequence and biophysical properties (such as structural, functional, and spatial information, amino acid conservation, physicochemical variation, residue mobility, and thermodynamic stability) performed at Invitae indicates that this missense variant is not expected to disrupt SIK1 protein function with a negative predictive value of 95%. In summary, the available evidence is currently insufficient to determine the role of this variant in disease. Therefore, it has been classified as a Variant of Uncertain Significance.

NM_173354.5(SIK1):c.10A>C (p.Met4Leu)

Gene: SIK1 (salt inducible kinase 1; minus strand). Cytogenetic location: 21q22.3.
Variant type: single nucleotide variant.
Coding change: c.10A>C on transcript NM_173354.5 (MANE Select); coding-DNA position 10, A replaced by C.
Protein change: p.Met4Leu; replaces methionine 4 with leucine.
Molecular consequence: missense variant.
Genome position (GRCh38, 1-based): chr21:43,426,169, T>G on the plus strand (A>C on the coding strand, the complement: SIK1 is on the minus strand). VCF-style: chr21-43426169-T-G. GRCh37 (hg19) VCF-style: chr21-44846049-T-G.
Other names: short protein forms M4L.
Identifiers: ClinVar variation 3611698 (VCV003611698.2).
Genomic context (GRCh38, chr21:43,426,169, plus strand): 5'-CCCGGAGGGGCTTCTGCTGGCCCTGACCCTGGCCCGCGGGGTCCGCGCTGAACTCCGACA[T>G]GATAACCATGGCTCCGCGCGCACCTGCGGGGCCGCACAGAGCTCAGAGCCCACCAGCGCC-3'
Protein context (NP_775490.2, residues 1-14): MVI[Met4Leu]SEFSADPAGQ